The following is an entry in ClinVar:

ClinVar aggregate classification (germline): Uncertain significance (1 of 4 stars; one submission).

Submission:

Women's Health and Genetics/Laboratory Corporation of America, LabCorp
Classification: Uncertain significance. Last evaluated: 2025-09-09. Review status: criteria provided, single submitter. Criteria: LabCorp Variant Classification Summary - May 2015. Collection method: clinical testing. Allele origin: germline.
Comment: Variant summary: HADHA c.180+3A>T alters a conserved nucleotide located close to a canonical splice site and therefore could affect mRNA splicing, leading to a significantly altered protein sequence. Several computational tools predict a significant impact on normal splicing: Three predict the variant abolishes a 5' splicing donor site. However, these predictions have yet to be confirmed by functional studies. The variant was absent in 251376 control chromosomes. The available data on variant occurrences in the general population are insufficient to allow any conclusion about variant significance. To our knowledge, no occurrence of c.180+3A>T in individuals affected with HADHA-related conditions and no experimental evidence demonstrating its impact on protein function have been reported. No submitters have cited clinical-significance assessments for this variant to ClinVar. Based on the evidence outlined above, the variant was classified as uncertain significance.

NM_000182.5(HADHA):c.180+3A>T

Gene: HADHA (hydroxyacyl-CoA dehydrogenase trifunctional multienzyme complex subunit alpha; minus strand). Cytogenetic location: 2p23.3.
Variant type: single nucleotide variant.
Coding change: c.180+3A>T on transcript NM_000182.5 (MANE Select); 3 bases into the intron after coding-DNA position 180, A replaced by T.
Molecular consequence: intron variant.
Genome position (GRCh38, 1-based): chr2:26,238,931, T>A on the plus strand (A>T on the coding strand, the complement: HADHA is on the minus strand). VCF-style: chr2-26238931-T-A. GRCh37 (hg19) VCF-style: chr2-26461799-T-A.
Identifiers: ClinVar variation 4535653 (VCV004535653.1).